The following is an entry in ClinVar:

ClinVar aggregate classification (germline): Likely pathogenic (1 of 4 stars; one submission).

Submission:

Dasa
Classification: Likely pathogenic. Last evaluated: 2025-08-11. Review status: criteria provided, single submitter. Criteria: DASA Assertion Criteria. Collection method: clinical testing. Allele origin: germline.
Comment: NM_002303.6(LEPR):c.3205G>T (p.Glu1069*) is a nonsense variant in LEPR predicted to introduce a premature termination codon and is predicted to result in an absent or altered protein product. Loss of function is an established disease mechanism for LEPR-associated disorders. Also, this variant is absent from population databases. Based on the currently available evidence, this variant is classified as likely pathogenic.

NM_002303.6(LEPR):c.3205G>T (p.Glu1069Ter)

Gene: LEPR (leptin receptor; plus strand). Cytogenetic location: 1p31.3.
Variant type: single nucleotide variant.
Coding change: c.3205G>T on transcript NM_002303.6 (MANE Select); coding-DNA position 3205, G replaced by T.
Protein change: p.Glu1069Ter; replaces glutamic acid 1069 with a stop codon.
Molecular consequence: nonsense.
Genome position (GRCh38, 1-based): chr1:65,636,722, G>T. VCF-style: chr1-65636722-G-T. GRCh37 (hg19) VCF-style: chr1-66102405-G-T.
Other names: short protein forms E1069*.
Identifiers: ClinVar variation 4881976 (VCV004881976.2).